The following is an entry in ClinVar:

ClinVar aggregate classification (germline): Conflicting classifications of pathogenicity. Review status: criteria provided, conflicting classifications (1 of 4 stars). 5 submissions from 5 submitters: Uncertain significance (3); Likely benign (2). Last evaluated 2025-11-09.

Conditions:
Cardiovascular phenotype. Identifiers: MedGen CN230736.
Catecholaminergic polymorphic ventricular tachycardia (CVPT). Also called: Catecholamine-induced polymorphic ventricular tachycardia. Identifiers: Orphanet 3286, MedGen C5574922, MONDO:0017990.
Cardiomyopathy (CMYO). Also called: Cardiomyopathies. Identifiers: Orphanet 167848, MedGen C0878544, MONDO:0004994, HP:0001638. Inheritance: Various modes of inheritance.
Arrhythmogenic right ventricular dysplasia 2. Identifiers: MedGen C1832931.
Ventricular arrhythmias due to cardiac ryanodine receptor calcium release deficiency syndrome. Also called: Autosomal dominant cardiac arrhythmia (Kuhn). Identifiers: MedGen C5542154, MONDO:0020745, OMIM 115000.
Catecholaminergic polymorphic ventricular tachycardia 1. Also called: VENTRICULAR TACHYCARDIA, CATECHOLAMINERGIC POLYMORPHIC, 1, WITH OR WITHOUT ATRIAL DYSFUNCTION AND/OR DILATED CARDIOMYOPATHY; VENTRICULAR TACHYCARDIA, STRESS-INDUCED POLYMORPHIC 1; RYR2-Related Catecholaminergic Polymorphic Ventricular Tachycardia. Identifiers: Orphanet 3286, MedGen C1631597, MONDO:0011484, OMIM 604772.

Allele frequency attached by ClinVar (database versions not stated): gnomAD exomes 0.00002 and 0.00004; gnomAD 0.00003; TOPMed 0.00003; ExAC 0.00006.
gnomAD v4.1: 33 of 1,605,818 alleles (0.0021%); highest among the groups gnomAD compares: South Asian, 0.021%; no homozygotes.

Submissions (5):

Labcorp Genetics (formerly Invitae), Labcorp
Classification: Likely benign for Catecholaminergic polymorphic ventricular tachycardia 1. Last evaluated: 2025-11-09. Review status: criteria provided, single submitter. Criteria: Invitae Variant Classification Sherloc (09022015). Collection method: clinical testing. Allele origin: germline.

Color Diagnostics, LLC DBA Color Health
Classification: Likely benign for Cardiomyopathy. Last evaluated: 2025-09-09. Review status: criteria provided, single submitter. Criteria: ACMG Guidelines, 2015. Collection method: clinical testing. Allele origin: germline.

All of Us Research Program, National Institutes of Health
Classification: Uncertain significance for Catecholaminergic polymorphic ventricular tachycardia. Last evaluated: 2024-09-23. Review status: criteria provided, single submitter. Criteria: ACMG Guidelines, 2015. Collection method: clinical testing. Allele origin: germline. Inheritance: Autosomal dominant inheritance. Observed: 6 variant alleles, 6 heterozygotes.
Comment: This variant is located in the RYR2 protein. Computational prediction is inconclusive regarding the impact of this variant on protein structure and function (internally defined REVEL score threshold 0.5 < inconclusive < 0.7, PMID: 27666373). To our knowledge, functional studies have not been reported for this variant. This variant has not been reported in individuals affected with cardiovascular disorders in the literature. This variant has been identified in 9/245706 chromosomes in the general population by the Genome Aggregation Database (gnomAD). The available evidence is insufficient to determine the role of this variant in disease conclusively. Therefore, this variant is classified as a Variant of Uncertain Significance.

This study involves interpretation of variants in research participants for the purpose of population health screening. Participant phenotype was not available at the time of variant classification. Additional details can be found in publication PMID: 35346344, PMCID: PMC8962531

Ambry Genetics
Classification: Uncertain significance for Cardiovascular phenotype. Last evaluated: 2024-07-20. Review status: criteria provided, single submitter. Criteria: Ambry Variant Classification Scheme 2023. Collection method: clinical testing. Allele origin: germline.
Comment: The p.R2979H variant (also known as c.8936G>A), located in coding exon 62 of the RYR2 gene, results from a G to A substitution at nucleotide position 8936. The arginine at codon 2979 is replaced by histidine, an amino acid with highly similar properties. This amino acid position is well conserved in available vertebrate species. In addition, this alteration is predicted to be tolerated by in silico analysis. Based on the available evidence, the clinical significance of this variant remains unclear.

Fulgent Genetics
Classification: Uncertain significance for Ventricular arrhythmias due to cardiac ryanodine receptor calcium release deficiency syndrome; Catecholaminergic polymorphic ventricular tachycardia 1. Last evaluated: 2021-11-16. Review status: criteria provided, single submitter. Criteria: ACMG Guidelines, 2015. Collection method: clinical testing. Allele origin: unknown.

NM_001035.3(RYR2):c.8936G>A (p.Arg2979His)

Gene: RYR2 (ryanodine receptor 2; plus strand). Cytogenetic location: 1q43.
Variant type: single nucleotide variant.
Coding change: c.8936G>A on transcript NM_001035.3 (MANE Select); coding-DNA position 8936, G replaced by A.
Protein change: p.Arg2979His; replaces arginine 2979 with histidine.
Molecular consequence: missense variant.
Genome position (GRCh38, 1-based): chr1:237,680,496, G>A. VCF-style: chr1-237680496-G-A. GRCh37 (hg19) VCF-style: chr1-237843796-G-A.
Other names: c.8936G>A (NM_001035.2); short protein forms R2979H.
Identifiers: ClinVar variation 806402 (VCV000806402.26), dbSNP rs753179691, ClinGen allele CA087789.
Genomic context (GRCh38, chr1:237,680,496, plus strand): 5'-CTTCTTTTCCTTTCTTTCAGGTCGTTCTTCCTTTAATTGATCAGTATTTCAAAAACCATC[G>A]TTTATACTTCTTATCTGCAGCAAGCAGACCTCTCTGCTCTGGAGGACATGCTTCCAACAA-3'
Protein context (NP_001026.2, residues 2969-2989): PLIDQYFKNH[Arg2979His]LYFLSAASRP